The following is an entry in ClinVar:

ClinVar aggregate classification (germline): Uncertain significance (1 of 4 stars; one submission).

Conditions:
Hereditary spastic paraplegia 11. Also called: Nakamura Osame syndrome; Autosomal recessive hereditary spastic paraplegia, mental impairment, and thin corpus callosum; SPASTIC PARAPLEGIA, AUTOSOMAL RECESSIVE, COMPLICATED, WITH THIN CORPUS CALLOSUM; SPASTIC PARAPLEGIA, AUTOSOMAL RECESSIVE, WITH MENTAL IMPAIRMENT AND THIN CORPUS CALLOSUM; Spastic paraplegia, mental retardation and thin corpus callosum; Spastic Paraplegia 11. Identifiers: Orphanet 2822, MedGen C1858479, MONDO:0011445, OMIM 604360.

Submission:

Labcorp Genetics (formerly Invitae), Labcorp
Classification: Uncertain significance for Hereditary spastic paraplegia 11. Last evaluated: 2019-12-06. Review status: criteria provided, single submitter. Criteria: Invitae Variant Classification Sherloc (09022015). Collection method: clinical testing. Allele origin: germline.
Comment: This sequence change replaces cysteine with glycine at codon 2006 of the SPG11 protein (p.Cys2006Gly). The cysteine residue is highly conserved and there is a large physicochemical difference between cysteine and glycine. In summary, the available evidence is currently insufficient to determine the role of this variant in disease. Therefore, it has been classified as a Variant of Uncertain Significance. Algorithms developed to predict the effect of missense changes on protein structure and function are either unavailable or do not agree on the potential impact of this missense change (SIFT: "Tolerated"; PolyPhen-2: "Possibly Damaging"; Align-GVGD: "Class C0"). This variant has not been reported in the literature in individuals with SPG11-related conditions. This variant is not present in population databases (ExAC no frequency).

NM_025137.4(SPG11):c.6016T>G (p.Cys2006Gly)

Gene: SPG11 (SPG11 vesicle trafficking associated, spatacsin; minus strand). Cytogenetic location: 15q21.1.
Variant type: single nucleotide variant.
Coding change: c.6016T>G on transcript NM_025137.4 (MANE Select); coding-DNA position 6016, T replaced by G.
Protein change: p.Cys2006Gly; replaces cysteine 2006 with glycine.
Molecular consequence: missense variant. On other transcripts: intron variant (1).
Genome position (GRCh38, 1-based): chr15:44,573,736, A>C on the plus strand (T>G on the coding strand, the complement: SPG11 is on the minus strand). VCF-style: chr15-44573736-A-C. GRCh37 (hg19) VCF-style: chr15-44865934-A-C.
Other names: c.5867-916T>G (NM_001160227.2); short protein forms C2006G.
Identifiers: ClinVar variation 850591 (VCV000850591.9), dbSNP rs2082475892, ClinGen allele CA392218481.